The following is an entry in ClinVar:

ClinVar aggregate classification (germline): Conflicting classifications of pathogenicity. Review status: criteria provided, conflicting classifications (1 of 4 stars). 15 submissions from 15 submitters: Uncertain significance (4); Likely benign (6). 5 of the submissions do not count toward it. Last evaluated 2026-01-14.

Conditions:
Hereditary cancer-predisposing syndrome. Also called: Hereditary Cancer Syndrome; Hereditary neoplastic syndrome; Neoplastic Syndromes, Hereditary; Tumor predisposition. Identifiers: Orphanet 140162, MedGen C0027672, MeSH D009386, MONDO:0015356.
Breast-ovarian cancer, familial, susceptibility to, 1 (BROVCA1). Also called: BRCA1 Hereditary Breast and Ovarian Cancer; OVARIAN CANCER, SUSCEPTIBILITY TO. Identifiers: Orphanet 145, MedGen C2676676, MONDO:0011450, OMIM 604370. Disease mechanism: loss of function.
Familial cancer of breast. Also called: hereditary breast carcinoma; BREAST CANCER, FAMILIAL; Hereditary breast cancer. Identifiers: Orphanet 227535, MedGen C0346153, MONDO:0016419, OMIM 114480. Disease mechanism: loss of function.
Fanconi anemia, complementation group S (FANCS). Identifiers: MedGen C4554406, MONDO:0054748, OMIM 617883.
Pancreatic cancer, susceptibility to, 4. Identifiers: Orphanet 1333, MedGen C3280442, MONDO:0013685, OMIM 614320.
Malignant tumor of breast. Also called: Cancer breast; Malignant breast neoplasm. Identifiers: MedGen C0006142, MONDO:0007254. Disease mechanism: loss of function.
Hereditary breast ovarian cancer syndrome. Also called: BRCA1- and BRCA2-Associated Hereditary Breast and Ovarian Cancer; Hereditary breast and ovarian cancer syndrome; Hereditary breast and ovarian cancer syndrome (HBOC); Breast and ovarian cancer; Hereditary breast and/or ovarian cancer syndrome; Hereditary breast and ovarian cancer. Identifiers: Orphanet 145, MedGen C0677776, MeSH D061325, MONDO:0003582. Disease mechanism: loss of function.

Allele frequency attached by ClinVar (database versions not stated): ESP Exome Variant Server 0.00008; gnomAD 0.00008 and 0.00009; ExAC 0.00005; gnomAD exomes 0.00008 and 0.00004; TOPMed 0.00004.
gnomAD v4.1: 69 of 1,614,044 alleles (0.0043%); highest among the groups gnomAD compares: South Asian, 0.023%; no homozygotes.

Submissions (15):

Labcorp Genetics (formerly Invitae), Labcorp
Classification: Likely benign for Hereditary breast ovarian cancer syndrome. Last evaluated: 2026-01-14. Review status: criteria provided, single submitter. Criteria: Invitae Variant Classification Sherloc (09022015). Collection method: clinical testing. Allele origin: germline.

Ambry Genetics
Classification: Likely benign for Hereditary cancer-predisposing syndrome. Last evaluated: 2025-08-07. Review status: criteria provided, single submitter. Criteria: Ambry Variant Classification Scheme 2023. Collection method: clinical testing. Allele origin: germline.

Women's Health and Genetics/Laboratory Corporation of America, LabCorp
Classification: Likely benign. Last evaluated: 2025-07-07. Review status: criteria provided, single submitter. Criteria: LabCorp Variant Classification Summary - May 2015. Collection method: clinical testing. Allele origin: germline.
Comment: Variant summary: BRCA1 c.3649T>C (p.Ser1217Pro) results in a non-conservative amino acid change in the encoded protein sequence. Algorithms developed to predict the effect of missense changes on protein structure and function are either unavailable or do not agree on the potential impact of this missense change. The variant allele was found at a frequency of 7.9e-05 in 327244 control chromosomes (gnomAD). This frequency is not significantly higher than estimated for a pathogenic variant in BRCA1 causing Hereditary Breast And Ovarian Cancer Syndrome (7.9e-05 vs 0.001), allowing no conclusion about variant significance. c.3649T>C has been observed in individuals affected with Breast or Ovarian Cancer without strong evidence of causality (e.g. Adami_2010, Sugano_2008, Stegel_2011, Azzollini_2016, Wen_2017, Dorling_2021, Momozawa_2018, Kadri_2021, Kwong_2020, Andrikopoulou_2021, Su_2021, Zhang_2022, Zografos_2022). These reports do not provide unequivocal conclusions about association of the variant with Hereditary Breast And Ovarian Cancer Syndrome. At least one publication reports experimental evidence evaluating an impact on protein function (Guo_2023). These results showed no damaging effect of this variant on HR function. The following publications have been ascertained in the context of this evaluation (PMID: 21232165, 19016756, 19029836, 23704879, 25356972, 28993434, 30093976, 30287823, 32068069, 33471991, 33552952, 32467295, 34917121, 35127508, 36011273, 35918668, 27062684, 37731132). ClinVar contains an entry for this variant (Variation ID: 54953). Based on the evidence outlined above, the variant was classified as likely benign.

Blueprint Genetics
Classification: Uncertain significance. Last evaluated: 2024-06-28. Review status: criteria provided, single submitter. Criteria: ACMG Guidelines, 2015. Collection method: clinical testing. Allele origin: germline.

MGZ Medical Genetics Center
Classification: Likely benign for Familial cancer of breast. Last evaluated: 2024-02-09. Review status: criteria provided, single submitter. Criteria: CSpec BRCA1/2ACMG Rules Specifications V1.1.0. Collection method: clinical testing. Allele origin: germline. Affected: yes.
Comment: ACMG codes applied following ENIGMA VCEP rules: BP1_STR, BS1_SUP

GeneDx
Classification: Uncertain significance. Last evaluated: 2023-12-22. Review status: criteria provided, single submitter. Criteria: GeneDx Variant Classification Process June 2021. Collection method: clinical testing. Allele origin: germline. Affected: yes.
Comment: Observed in individuals with breast, ovarian, and/or pancreatic cancer (PMID: 19016756, 19029836, 21232165, 25356972, 27062684, 28993434, 33552952, 35127508, 36011273); Published functional studies demonstrate abolishment of local CK2A1 and CSNK2A1 binding, preventing phosphorylation of this residue in in vivo studies; however the biological significance of this is not known (PMID: 23704879); In silico analysis supports that this missense variant has a deleterious effect on protein structure/function; Also known as 3768T>C; This variant is associated with the following publications: (PMID: 19016756, 21232165, 19029836, 27062684, 28993434, 25356972, 30287823, 30093976, 32467295, 35127508, 32068069, 33552952, 36011273, 36243179, 23704879)

University of Washington Department of Laboratory Medicine, University of Washington
Classification: Likely benign for Hereditary cancer-predisposing syndrome. Last evaluated: 2023-03-23. Review status: criteria provided, single submitter. Criteria: Dines et al. (Genet Med. 2020). Collection method: curation. Allele origin: germline.
Comment: Missense variant in a coldspot region where missense variants are very unlikely to be pathogenic (PMID:31911673).

BRCA1 coldspot (exon 11 using historical exon numbering). Reclassification based on statistical prior probability

Color Diagnostics, LLC DBA Color Health
Classification: Likely benign for Hereditary cancer-predisposing syndrome. Last evaluated: 2021-10-12. Review status: criteria provided, single submitter. Criteria: ACMG Guidelines, 2015. Collection method: clinical testing. Allele origin: germline.

Quest Diagnostics Nichols Institute San Juan Capistrano
Classification: Uncertain significance. Last evaluated: 2020-08-25. Review status: criteria provided, single submitter. Criteria: Quest Diagnostics criteria. Collection method: clinical testing. Allele origin: unknown.

Fulgent Genetics
Classification: Uncertain significance for Familial cancer of breast; Breast-ovarian cancer, familial, susceptibility to, 1; Pancreatic cancer, susceptibility to, 4; Fanconi anemia, complementation group S. Last evaluated: 2018-10-31. Review status: criteria provided, single submitter. Criteria: ACMG Guidelines, 2015. Collection method: clinical testing. Allele origin: unknown.

BRCAlab, Lund University
Classification: Uncertain significance for Breast-ovarian cancer, familial, susceptibility to, 1. Last evaluated: 2020-03-02. Review status: no assertion criteria provided. Collection method: clinical testing. Allele origin: germline. Affected: yes. Not counted in ClinVar's aggregate classification.

Counsyl
Classification: Uncertain significance for Breast-ovarian cancer, familial, susceptibility to, 1. Last evaluated: 2016-02-19. Review status: no assertion criteria provided. Collection method: clinical testing. Allele origin: unknown. Not counted in ClinVar's aggregate classification.

Breast Cancer Information Core (BIC) (BRCA1)
Classification: Uncertain significance for Breast-ovarian cancer, familial 1. Last evaluated: 2010-12-17. Review status: no assertion criteria provided. Collection method: clinical testing. Allele origin: germline. Affected: yes. Observed: 1 variant allele. Not counted in ClinVar's aggregate classification.

Center for Precision Medicine, Meizhou People's Hospital
Classification: Uncertain significance for Familial cancer of breast. Review status: no assertion criteria provided. Collection method: literature only. Allele origin: germline. Affected: yes. Not counted in ClinVar's aggregate classification.

Department of Pathology and Laboratory Medicine, Sinai Health System
Classification: Uncertain significance for Malignant tumor of breast. Review status: no assertion criteria provided. Collection method: clinical testing. Allele origin: unknown. Affected: yes. Observed: 2 variant alleles. Study: The Canadian Open Genetics Repository (COGR). Not counted in ClinVar's aggregate classification.

Literature cited by the submitters: PubMed 19016756 (cited by 4 submitters); PubMed 19029836 (cited by 4 submitters); PubMed 21232165 (cited by 4 submitters); PubMed 23704879 (cited by 4 submitters); PubMed 25356972 (cited by 5 submitters); PubMed 27062684 (cited by 3 submitters); PubMed 30093976 (cited by Ambry Genetics and Women's Health and Genetics/Laboratory Corporation of America, LabCorp); PubMed 31468469 (cited by Ambry Genetics); PubMed 33471991 (cited by Ambry Genetics and Women's Health and Genetics/Laboratory Corporation of America, LabCorp); PubMed 35918668 (cited by Ambry Genetics and Women's Health and Genetics/Laboratory Corporation of America, LabCorp); PubMed 28993434 (cited by Women's Health and Genetics/Laboratory Corporation of America, LabCorp); PubMed 30287823 (cited by 3 submitters); PubMed 32068069 (cited by Women's Health and Genetics/Laboratory Corporation of America, LabCorp); PubMed 33552952 (cited by Women's Health and Genetics/Laboratory Corporation of America, LabCorp); PubMed 32467295 (cited by Women's Health and Genetics/Laboratory Corporation of America, LabCorp); PubMed 34917121 (cited by Women's Health and Genetics/Laboratory Corporation of America, LabCorp); PubMed 35127508 (cited by Women's Health and Genetics/Laboratory Corporation of America, LabCorp); PubMed 36011273 (cited by Women's Health and Genetics/Laboratory Corporation of America, LabCorp); PubMed 37731132 (cited by Women's Health and Genetics/Laboratory Corporation of America, LabCorp).

NM_007294.4(BRCA1):c.3649T>C (p.Ser1217Pro)

Genes: BRCA1 (BRCA1 DNA repair associated; minus strand), LOC126862571 (BRD4-independent group 4 enhancer GRCh37_chr17:41243136-41244335; plus strand). Cytogenetic location: 17q21.31.
Variant type: single nucleotide variant.
Coding change: c.3649T>C on transcript NM_007294.4 (MANE Select); coding-DNA position 3649, T replaced by C.
Protein change: p.Ser1217Pro; replaces serine 1217 with proline.
Molecular consequence: missense variant. On other transcripts: intron variant (135).
Genome position (GRCh38, 1-based): chr17:43,091,882, A>G on the plus strand (T>C on the coding strand, the complement: BRCA1 is on the minus strand). VCF-style: chr17-43091882-A-G. GRCh37 (hg19) VCF-style: chr17-41243899-A-G.
Other names: c.3385T>C, p.Ser1129Pro (NM_001407927.1, NM_001407928.1, NM_001407929.1 and 9 more transcripts); c.3382T>C, p.Ser1128Pro (NM_001407930.1, NM_001407931.1, NM_001407932.1 and 2 more transcripts); c.3526T>C, p.Ser1176Pro (NM_001407937.1, NM_001407938.1, NM_001407939.1 and 19 more transcripts); c.3523T>C, p.Ser1175Pro (NM_001407940.1, NM_001407941.1, NM_001407649.1 and 11 more transcripts); c.3508T>C, p.Ser1170Pro (NM_001407942.1, NM_001407944.1, NM_001407945.1 and 29 more transcripts); c.3505T>C, p.Ser1169Pro (NM_001407943.1, NM_001407964.1, NM_001407740.1 and 20 more transcripts); c.3316T>C, p.Ser1106Pro (NM_001407946.1, NM_001407947.1, NM_001407948.1 and 6 more transcripts); c.3313T>C, p.Ser1105Pro (NM_001407954.1, NM_001407955.1, NM_001407956.1 and 1 more transcripts); and 41 more; short protein forms S1217P, S1170P, S1169P, S1176P, S1089P, S1105P, S1128P, S1146P.
Identifiers: ClinVar variation 54953 (VCV000054953.42), dbSNP rs273900712, ClinGen allele CA002337.